The following is an entry in ClinVar:

NM_001034853.2(RPGR):c.3092_3093del (p.Glu1031fs)

Gene: RPGR (retinitis pigmentosa GTPase regulator; minus strand). Cytogenetic location: Xp11.4.
Variant type: Microsatellite.
Coding change: c.3092_3093del on transcript NM_001034853.2 (MANE Select); coding-DNA positions 3092 to 3093, 2 bases deleted (AG; older notation c.3092_3093delAG).
Protein change: p.Glu1031fs; shifts the reading frame from glutamic acid 1031.
Molecular consequence: frameshift variant. On other transcripts: intron variant (8).
Genome position (GRCh38, 1-based): chrX:38,285,906-38,285,907, CT deleted on the plus strand (AG on the coding strand, the reverse complement: RPGR is on the minus strand); deleting any 2 consecutive bases within chrX:38,285,906-38,285,910 gives the same sequence; the c. name uses the placement nearest the transcript's 3' end. VCF-style (leftmost placement, unchanged base first): chrX-38285905-CCT-C. GRCh37 (hg19) VCF-style: chrX-38145158-CCT-C.
Other names: NC_000023.10:g.38145162_38145163del; NP_001030025.1:p.(Glu1031GlyfsTer47); NM_001034853.2(RPGR):c.3092_3093del; p.Glu1031fs; c.3092_3093delAG (NM_001034853.1); c.1569+5052_1569+5053del (NM_001367249.1, NM_001367250.1); c.1902+1187_1902+1188del (NM_001367245.1); c.1386+5052_1386+5053del (NM_001367251.1); and 4 more; short protein forms E1031fs.
Identifiers: ClinVar variation 9911 (VCV000009911.18), dbSNP rs606231181, ClinGen allele CA120804.
Genomic context (GRCh38, chrX:38,285,905, plus strand): 5'-CTTCCCCCTCCTTTTCCCTTTCTTCTCCTTCCTCCTCTCCTTCCTCTTCCTCTCCTTCCC[CCT>C]CTCCTTCCTCCCCTTCCACCTCCCCTTCCACTTCCCCTTCCTCTTCTTCCTCCCCTTCTC-3'

ClinVar aggregate classification (germline): Pathogenic. Review status: reviewed by expert panel (3 of 4 stars). 10 submissions from 9 submitters: Pathogenic (1). 9 of the submissions do not count toward it. Last evaluated 2025-09-06.

Conditions:
RPGR-related disorder. Also called: RPGR-related condition.
RPGR-related retinopathy. Also called: RPGR retinopathy. Identifiers: MedGen CN305589, MONDO:0100437.
Retinal dystrophy. Also called: Inherited retinal dystrophy. Identifiers: Orphanet 71862, MedGen C0854723, MeSH D058499, MONDO:0019118, HP:0000556.
Primary ciliary dyskinesia. Also called: Ciliary dyskinesia. Identifiers: Orphanet 244, MedGen C0008780, MONDO:0016575, HP:0012265.
X-linked cone-rod dystrophy 1 (CORDX1). Identifiers: Orphanet 1872, MedGen C1844776, MONDO:0010566, OMIM 304020.
Retinitis pigmentosa 3. Also called: CHOROIDORETINAL DEGENERATION WITH RETINAL REFLEX IN HETEROZYGOUS WOMEN. Identifiers: Orphanet 791, MedGen C1845667, MONDO:0010227, OMIM 300029.
Cone dystrophy. Identifiers: Orphanet 1871, MedGen C0730290, MONDO:0000455.

Submissions (10):

ClinGen X-linked Inherited Retinal Disease Variant Curation Expert Panel, ClinGen
Classification: Pathogenic for RPGR-related retinopathy. Last evaluated: 2025-09-06. Review status: reviewed by expert panel. Criteria: ClinGen X LinkedIRD ACMG Specifications RPGR V1.0.0. Collection method: curation. Allele origin: germline. Inheritance: X-linked inheritance.
Comment: NM_001034853.2(RPGR):c.3092_3093del (p.Glu1031GlyfsTer?) is a frameshift variant due to a two-nucleotide deletion introducing a premature stop codon after 47 amino acids within exon 15 of 15, which is predicted to disrupt a critical C-terminal region required for proper glutamylation of RPGR (PVS1, PMID: 36445968). This variant is absent from gnomAD v4.1.0 (PM2_Supporting). The variant has been reported to segregate with retinal dystrophy through at least 14 affected meioses total from at least 2 families (PP1_Strong; PMID: 11857109, 9443860, 28559085). This variant has been reported in at least 3 apparently unrelated probands (PMID: 11857109, PMID: 9443860, PMID: 28559085, PMID: 34985506), however, the number of individuals meeting one of the PS4 requirements of some functional vision impairment in affected males by age 30 years and/or decreased or absent electroretinogram responses was fewer than the requirement of at least 2 unrelated probands, so PS4_Supporting was not met. In summary, this variant is classified as pathogenic for RPGR-related retinopathy based on the ClinGen X-linked Inherited Retinal Disease Expert Panel Specifications to the ACMG/AMP Variant Interpretation Guidelines for RPGR Version 1.0.0; PVS1, PM2_Supporting, and PP1_Strong.

PreventionGenetics, part of Exact Sciences
Classification: Pathogenic for RPGR-related condition. Last evaluated: 2026-05-22. Review status: criteria provided, single submitter. Criteria: ACMG Guidelines, 2015. Collection method: clinical testing. Allele origin: germline. Not counted in ClinVar's aggregate classification.
Comment: The RPGR c.3092_3093delAG variant is predicted to result in a frameshift and premature protein termination (p.Glu1031Glyfs*47). This variant can also be denoted g. ORF15+1339_1340del. This variant has been reported in individuals with retinitis pigmentosa (Breuer et al. 2002. PubMed ID: 11992260; Coussa et al. 2019. PubMed ID: 31908405; Tuupanen et al. 2022. PubMed ID: 34985506) and cone rod dystrophy (CORD, Wang et al. 2021. PubMed ID: 34800980; Table S2, Peter et al. 2023. PubMed ID: 36909829; Table S1, Schlottmann et al. 2023. PubMed ID: 37217489). This variant is absent in the large population database gnomAD, indicating this variant is rare. Frameshift variants in exon 15 of RPGR (also known as ORF15) have been well-documented to cause X-linked retinitis pigmentosa (Shu et al. 2007. PubMed ID: 17195164). Given the evidence, we interpret this variant as pathogenic.

3billion
Classification: Pathogenic for RPGR-related disorder. Last evaluated: 2026-01-08. Review status: criteria provided, single submitter. Criteria: ACMG Guidelines, 2015. Collection method: clinical testing. Allele origin: germline. Affected: yes. Not counted in ClinVar's aggregate classification.
Comment: The variant is observed at an extremely low frequency in the gnomAD v4.1.0 dataset (total allele frequency: <0.001%). Predicted Consequence/Location: Frameshift: predicted to result in a loss or disruption of normal protein function through protein truncation. Multiple pathogenic variants are reported in the predicted truncated region. The variant has been reported multiple times as an established pathogenic variant (ClinVar ID: VCV000009911 /3billion dataset). Therefore, this variant is classified as Pathogenic according to the recommendation of ACMG/AMP guideline.

Labcorp Genetics (formerly Invitae), Labcorp
Classification: Pathogenic for Primary ciliary dyskinesia. Last evaluated: 2025-09-25. Review status: criteria provided, single submitter. Criteria: Invitae Variant Classification Sherloc (09022015). Collection method: clinical testing. Allele origin: germline. Not counted in ClinVar's aggregate classification.
Comment: This sequence change creates a premature translational stop signal (p.Glu1031Glyfs*47) in the RPGR (ORF15) gene. While this is not anticipated to result in nonsense mediated decay, it is expected to disrupt the last 122 amino acid(s) of the RPGR (ORF15) protein. This variant is not present in population databases (gnomAD no frequency). This premature translational stop signal has been observed in individuals with retinitis pigmentosa (PMID: 11992260, 31908405). ClinVar contains an entry for this variant (Variation ID: 9911). This variant disrupts a region of the RPGR (ORF15) protein in which other variant(s) (p.Leu1130Lysfs*13) have been determined to be pathogenic (PMID: 22264887; internal data). This suggests that this is a clinically significant region of the protein, and that variants that disrupt it are likely to be disease-causing. For these reasons, this variant has been classified as Pathogenic.

Ophthalmic Genetics Group, Institute of Molecular and Clinical Ophthalmology Basel
Classification: Pathogenic for Cone dystrophy. Last evaluated: 2023-07-24. Review status: criteria provided, single submitter. Criteria: ACMG Guidelines, 2015. Collection method: research. Allele origin: germline. Affected: yes. Observed: 1 variant allele. Not counted in ClinVar's aggregate classification.
Comment: Clinical significance based on ACMG v2.0

This variant was classified as Pathogenic based on ACMG criteria: PVS1, PP5, PM2.

Institute of Human Genetics, Univ. Regensburg, Univ. Regensburg
Classification: Pathogenic for Retinal dystrophy. Last evaluated: 2023-01-01. Review status: criteria provided, single submitter. Criteria: ACMG Guidelines, 2015. Collection method: clinical testing. Allele origin: germline. Affected: yes. Not counted in ClinVar's aggregate classification.

Mendelics
Classification: Pathogenic for Retinitis pigmentosa 3. Last evaluated: 2022-05-04. Review status: criteria provided, single submitter. Criteria: Mendelics Assertion Criteria 2019. Collection method: clinical testing. Allele origin: germline. Not counted in ClinVar's aggregate classification.

Blueprint Genetics
Classification: Pathogenic for Retinal dystrophy. Last evaluated: 2019-07-23. Review status: criteria provided, single submitter. Criteria: Blueprint Genetics Variant Classification Scheme. Collection method: clinical testing. Allele origin: germline. Affected: yes. Not counted in ClinVar's aggregate classification.

OMIM
Classification: Pathogenic for CONE-ROD DYSTROPHY, X-LINKED, 1. Last evaluated: 2002-04-01. Review status: no assertion criteria provided. Collection method: literature only. Allele origin: germline. Not counted in ClinVar's aggregate classification.

Blueprint Genetics
Classification: Pathogenic for Retinitis pigmentosa 3. Review status: no assertion criteria provided. Collection method: clinical testing. Allele origin: germline. Affected: yes. Not counted in ClinVar's aggregate classification.

Literature cited by the submitters: PubMed 11992260 (cited by Labcorp Genetics (formerly Invitae), Labcorp and Institute of Human Genetics, Univ. Regensburg, Univ. Regensburg); PubMed 31908405 (cited by Labcorp Genetics (formerly Invitae), Labcorp and Institute of Human Genetics, Univ. Regensburg, Univ. Regensburg); PubMed 22264887 (cited by Labcorp Genetics (formerly Invitae), Labcorp); PubMed 36909829 (cited by Ophthalmic Genetics Group, Institute of Molecular and Clinical Ophthalmology Basel); PubMed 34985506 (cited by Institute of Human Genetics, Univ. Regensburg, Univ. Regensburg); PubMed 11857109 (cited by OMIM).